The following is an entry in ClinVar:

ClinVar aggregate classification (germline): Uncertain significance (1 of 4 stars; one submission).

Conditions:
Inborn genetic diseases. Identifiers: MedGen C0950123, MeSH D030342.

gnomAD v4.1: 1 of 1,608,514 alleles (0.000062%); highest among the groups gnomAD compares: Non-Finnish European, 0.000085%; no homozygotes.

Submission:

Ambry Genetics
Classification: Uncertain significance for Inborn genetic diseases. Last evaluated: 2024-11-19. Review status: criteria provided, single submitter. Criteria: Ambry Variant Classification Scheme 2023. Collection method: clinical testing. Allele origin: germline.
Comment: The c.560C>T (p.T187M) alteration is located in coding exon 7 of the MAP4K4 gene. This alteration results from a C to T substitution at nucleotide position 560, causing the threonine (T) at amino acid position 187 to be replaced by a methionine (M). This allele was reported in one heterozygous individual in population-based cohorts in the Genome Aggregation Database (gnomAD). This amino acid position is highly conserved in available vertebrate species. This missense alteration is located in a region that has a low rate of benign missense variation (Lek, 2016; Firth, 2009). This alteration is predicted to be deleterious by in silico analysis. Based on insufficient or conflicting evidence, the clinical significance of this alteration remains unclear.

NM_001395002.1(MAP4K4):c.560C>T (p.Thr187Met)

Gene: MAP4K4 (mitogen-activated protein kinase kinase kinase kinase 4; plus strand). Cytogenetic location: 2q11.2.
Variant type: single nucleotide variant.
Coding change: c.560C>T on transcript NM_001395002.1 (MANE Select); coding-DNA position 560, C replaced by T.
Protein change: p.Thr187Met; replaces threonine 187 with methionine.
Molecular consequence: missense variant. On other transcripts: non-coding transcript variant (4).
Genome position (GRCh38, 1-based): chr2:101,831,772, C>T. VCF-style: chr2-101831772-C-T. GRCh37 (hg19) VCF-style: chr2-102448234-C-T.
Other names: c.560C>T, p.Thr187Met (NM_001242559.2, NM_001242560.2, NM_001384476.1 and 28 more transcripts); c.533C>T, p.Thr178Met (NM_001384549.1, NM_001384550.1, NM_001384551.1 and 16 more transcripts); short protein forms T178M, T187M.
Identifiers: ClinVar variation 3542998 (VCV003542998.1).